The following is an entry in ClinVar:

NM_002860.4(ALDH18A1):c.2182T>A (p.Ser728Thr)

Gene: ALDH18A1 (aldehyde dehydrogenase 18 family member A1; minus strand). Cytogenetic location: 10q24.1.
Variant type: single nucleotide variant.
Coding change: c.2182T>A on transcript NM_002860.4 (MANE Select); coding-DNA position 2182, T replaced by A.
Protein change: p.Ser728Thr; replaces serine 728 with threonine.
Molecular consequence: missense variant.
Genome position (GRCh38, 1-based): chr10:95,610,221, A>T on the plus strand (T>A on the coding strand, the complement: ALDH18A1 is on the minus strand). VCF-style: chr10-95610221-A-T. GRCh37 (hg19) VCF-style: chr10-97369978-A-T.
Other names: c.2077T>A, p.Ser693Thr (NM_001323417.2); c.1843T>A, p.Ser615Thr (NM_001323418.2); c.1546T>A, p.Ser516Thr (NM_001323419.2); c.2176T>A, p.Ser726Thr (NM_001017423.2, NM_001323415.2); c.1849T>A, p.Ser617Thr (NM_001323412.2, NM_001323416.2); c.2182T>A, p.Ser728Thr (NM_001323413.2, NM_001323414.2); short protein forms S516T, S615T, S617T, S693T, S726T, S728T.
Identifiers: ClinVar variation 3756070 (VCV003756070.2).

ClinVar aggregate classification (germline): Uncertain significance (1 of 4 stars; one submission).

Conditions:
Cutis laxa, autosomal dominant 3 (ADCL3). Identifiers: Orphanet 90348, MedGen C4225268, MONDO:0014706, OMIM 616603.
Autosomal dominant spastic paraplegia type 9. Identifiers: MedGen C1832669, MONDO:0015091.
de Barsy syndrome. Also called: Cutis laxa-corneal clouding-oligophrenia syndrome. Identifiers: Orphanet 2962, MedGen C0268354, MONDO:0017569.

Submission:

Labcorp Genetics (formerly Invitae), Labcorp
Classification: Uncertain significance for Autosomal dominant spastic paraplegia type 9; de Barsy syndrome; Cutis laxa, autosomal dominant 3. Last evaluated: 2024-04-25. Review status: criteria provided, single submitter. Criteria: Invitae Variant Classification Sherloc (09022015). Collection method: clinical testing. Allele origin: germline.
Comment: This sequence change replaces serine, which is neutral and polar, with threonine, which is neutral and polar, at codon 728 of the ALDH18A1 protein (p.Ser728Thr). This variant is not present in population databases (gnomAD no frequency). This variant has not been reported in the literature in individuals affected with ALDH18A1-related conditions. Advanced modeling of protein sequence and biophysical properties (such as structural, functional, and spatial information, amino acid conservation, physicochemical variation, residue mobility, and thermodynamic stability) has been performed at Invitae for this missense variant, however the output from this modeling did not meet the statistical confidence thresholds required to predict the impact of this variant on ALDH18A1 protein function. In summary, the available evidence is currently insufficient to determine the role of this variant in disease. Therefore, it has been classified as a Variant of Uncertain Significance.